The following is an entry in ClinVar:

ClinVar aggregate classification (germline): Uncertain significance. Review status: criteria provided, multiple submitters, no conflicts (2 of 4 stars). 2 submissions from 2 submitters: Uncertain significance (2). Last evaluated 2025-06-07.

Conditions:
Inborn genetic diseases. Identifiers: MedGen C0950123, MeSH D030342.

Allele frequency attached by ClinVar (database versions not stated): TOPMed below 0.00001; ExAC 0.00002.
gnomAD v4.1: 7 of 1,602,612 alleles (0.00044%); highest among the groups gnomAD compares: African/African-American, 0.0013%; no homozygotes.

Submissions (2):

Ambry Genetics
Classification: Uncertain significance for Inborn genetic diseases. Last evaluated: 2025-06-07. Review status: criteria provided, single submitter. Criteria: Ambry Variant Classification Scheme 2023. Collection method: clinical testing. Allele origin: germline.

Labcorp Genetics (formerly Invitae), Labcorp
Classification: Uncertain significance. Last evaluated: 2024-08-07. Review status: criteria provided, single submitter. Criteria: Invitae Variant Classification Sherloc (09022015). Collection method: clinical testing. Allele origin: germline.
Comment: This sequence change replaces glycine, which is neutral and non-polar, with arginine, which is basic and polar, at codon 559 of the GUCY2C protein (p.Gly559Arg). This variant is present in population databases (rs763108254, gnomAD 0.003%). This variant has not been reported in the literature in individuals affected with GUCY2C-related conditions. Advanced modeling of protein sequence and biophysical properties (such as structural, functional, and spatial information, amino acid conservation, physicochemical variation, residue mobility, and thermodynamic stability) performed at Invitae indicates that this missense variant is expected to disrupt GUCY2C protein function with a positive predictive value of 80%. In summary, the available evidence is currently insufficient to determine the role of this variant in disease. Therefore, it has been classified as a Variant of Uncertain Significance.

NM_004963.4(GUCY2C):c.1675G>A (p.Gly559Arg)

Gene: GUCY2C (guanylate cyclase 2C; minus strand). Cytogenetic location: 12p12.3.
Variant type: single nucleotide variant.
Coding change: c.1675G>A on transcript NM_004963.4 (MANE Select); coding-DNA position 1675, G replaced by A.
Protein change: p.Gly559Arg; replaces glycine 559 with arginine.
Molecular consequence: missense variant.
Genome position (GRCh38, 1-based): chr12:14,651,442, C>T on the plus strand (G>A on the coding strand, the complement: GUCY2C is on the minus strand). VCF-style: chr12-14651442-C-T. GRCh37 (hg19) VCF-style: chr12-14804376-C-T.
Other names: c.1675G>A (NM_004963.3); short protein forms G559R.
Identifiers: ClinVar variation 2725634 (VCV002725634.4), dbSNP rs763108254, ClinGen allele CA6463324.